The following is an entry in ClinVar:

ClinVar aggregate classification (germline): Pathogenic (1 of 4 stars; one submission).

Submission:

Labcorp Genetics (formerly Invitae), Labcorp
Classification: Pathogenic. Last evaluated: 2022-10-10. Review status: criteria provided, single submitter. Criteria: Invitae Variant Classification Sherloc (09022015). Collection method: clinical testing. Allele origin: germline.
Comment: For these reasons, this variant has been classified as Pathogenic. This variant disrupts a region of the ERCC6 protein in which other variant(s) (p.Gly1372Glufs*22) have been determined to be pathogenic (PMID: 27004399). This suggests that this is a clinically significant region of the protein, and that variants that disrupt it are likely to be disease-causing. This variant has not been reported in the literature in individuals affected with ERCC6-related conditions. This variant is not present in population databases (gnomAD no frequency). This sequence change creates a premature translational stop signal (p.Leu1294Serfs*57) in the ERCC6 gene. While this is not anticipated to result in nonsense mediated decay, it is expected to disrupt the last 200 amino acid(s) of the ERCC6 protein.

Literature cited by the submitters: PubMed 27004399.

NM_000124.4(ERCC6):c.3880_3904del (p.Leu1294fs)

Gene: ERCC6 (ERCC excision repair 6, chromatin remodeling factor; minus strand). Cytogenetic location: 10q11.23.
Variant type: Deletion.
Coding change: c.3880_3904del on transcript NM_000124.4 (MANE Select); coding-DNA positions 3880 to 3904, 25 bases deleted (CTGAAAGCACTGAGGCTCTCTCGTC).
Protein change: p.Leu1294fs; shifts the reading frame from leucine 1294.
Molecular consequence: frameshift variant.
Genome position (GRCh38, 1-based): chr10:49,461,431-49,461,455, GACGAGAGAGCCTCAGTGCTTTCAG deleted on the plus strand (CTGAAAGCACTGAGGCTCTCTCGTC on the coding strand, the reverse complement: ERCC6 is on the minus strand); deleting any 25 consecutive bases within chr10:49,461,431-49,461,456 gives the same sequence; the c. name uses the placement nearest the transcript's 3' end. VCF-style (leftmost placement, unchanged base first): chr10-49461430-TGACGAGAGAGCCTCAGTGCTTTCAG-T. GRCh37 (hg19) VCF-style: chr10-50669476-TGACGAGAGAGCCTCAGTGCTTTCAG-T.
Other names: c.3880_3904del, p.Leu1294fs (NM_001346440.2); short protein forms L1294fs.
Identifiers: ClinVar variation 1986837 (VCV001986837.4), dbSNP rs1850580975, ClinGen allele CA928206389.